The following is an entry in ClinVar:

NM_015267.4(CUX2):c.470C>T (p.Thr157Met)

Gene: CUX2 (cut like homeobox 2; plus strand). Cytogenetic location: 12q24.11.
Variant type: single nucleotide variant.
Coding change: c.470C>T on transcript NM_015267.4 (MANE Select); coding-DNA position 470, C replaced by T.
Protein change: p.Thr157Met; replaces threonine 157 with methionine.
Molecular consequence: missense variant.
Genome position (GRCh38, 1-based): chr12:111,293,479, C>T. VCF-style: chr12-111293479-C-T. GRCh37 (hg19) VCF-style: chr12-111731283-C-T.
Other names: c.284C>T, p.Thr95Met (NM_001370598.1); short protein forms T157M, T95M.
Identifiers: ClinVar variation 3768694 (VCV003768694.1).

ClinVar aggregate classification (germline): Uncertain significance (1 of 4 stars; one submission).

gnomAD v4.1: 4 of 1,608,698 alleles (0.00025%); highest among the groups gnomAD compares: Non-Finnish European, 0.00025%; no homozygotes.

Submission:

Women's Health and Genetics/Laboratory Corporation of America, LabCorp
Classification: Uncertain significance. Last evaluated: 2025-02-07. Review status: criteria provided, single submitter. Criteria: LabCorp Variant Classification Summary - May 2015. Collection method: clinical testing. Allele origin: germline.
Comment: Variant summary: CUX2 c.470C>T (p.Thr157Met) results in a non-conservative amino acid change in the encoded protein sequence. Four of five in-silico tools predict a benign effect of the variant on protein function. The variant allele was found at a frequency of 2.5e-06 in 1608698 control chromosomes. The available data on variant occurrences in the general population are insufficient to allow any conclusion about variant significance. To our knowledge, no occurrence of c.470C>T in individuals affected with Early Infantile Epileptic Encephalopathy, Autosomal Dominant and no experimental evidence demonstrating its impact on protein function have been reported. No submitters have cited clinical-significance assessments for this variant to ClinVar. Based on the evidence outlined above, the variant was classified as uncertain significance.